The following is an entry in ClinVar:

ClinVar aggregate classification (germline): Uncertain significance (1 of 4 stars; one submission).

Allele frequency attached by ClinVar (database versions not stated): gnomAD 0.00002 and 0.00003; TOPMed 0.00003.

Submission:

Labcorp Genetics (formerly Invitae), Labcorp
Classification: Uncertain significance. Last evaluated: 2025-06-29. Review status: criteria provided, single submitter. Criteria: Invitae Variant Classification Sherloc (09022015). Collection method: clinical testing. Allele origin: germline.
Comment: This sequence change replaces arginine, which is basic and polar, with leucine, which is neutral and non-polar, at codon 8 of the MARS2 protein (p.Arg8Leu). This variant is present in population databases (rs751636540, gnomAD 0.2%), and has an allele count higher than expected for a pathogenic variant. This variant has not been reported in the literature in individuals affected with MARS2-related conditions. ClinVar contains an entry for this variant (Variation ID: 1421018). An algorithm developed to predict the effect of missense changes on protein structure and function (PolyPhen-2) suggests that this variant is likely to be tolerated. In summary, the available evidence is currently insufficient to determine the role of this variant in disease. Therefore, it has been classified as a Variant of Uncertain Significance.

NM_138395.4(MARS2):c.23G>T (p.Arg8Leu)

Gene: MARS2 (methionyl-tRNA synthetase 2, mitochondrial; plus strand). Cytogenetic location: 2q33.1.
Variant type: single nucleotide variant.
Coding change: c.23G>T on transcript NM_138395.4 (MANE Select); coding-DNA position 23, G replaced by T.
Protein change: p.Arg8Leu; replaces arginine 8 with leucine.
Molecular consequence: missense variant.
Genome position (GRCh38, 1-based): chr2:197,705,428, G>T. VCF-style: chr2-197705428-G-T. GRCh37 (hg19) VCF-style: chr2-198570152-G-T.
Other names: short protein forms R8L.
Identifiers: ClinVar variation 1421018 (VCV001421018.6), dbSNP rs751636540, ClinGen allele CA2044492.